The following is an entry in ClinVar:

ClinVar aggregate classification (germline): Pathogenic (1 of 4 stars; one submission).

Conditions:
Ellis-van Creveld syndrome (EVC). Also called: EVC-Related Ellis-van Creveld Syndrome; EVC2-Related Ellis-van Creveld Syndrome; MESOECTODERMAL DYSPLASIA; Chondroectodermal dysplasia. Identifiers: Orphanet 289, MedGen C0013903, MONDO:0009162, OMIM 225500.
Curry-Hall syndrome (WAD). Also called: WEYERS ACRODENTAL DYSOSTOSIS. Identifiers: Orphanet 952, MedGen C0457013, MONDO:0008673, OMIM 193530.

gnomAD v4.1: 1 of 1,614,178 alleles (0.000062%); no homozygotes.

Submission:

Labcorp Genetics (formerly Invitae), Labcorp
Classification: Pathogenic for Curry-Hall syndrome; Ellis-van Creveld syndrome. Last evaluated: 2021-09-09. Review status: criteria provided, single submitter. Criteria: Invitae Variant Classification Sherloc (09022015). Collection method: clinical testing. Allele origin: germline.
Comment: This variant has not been reported in the literature in individuals affected with EVC-related conditions. For these reasons, this variant has been classified as Pathogenic. This variant is not present in population databases (ExAC no frequency). This sequence change creates a premature translational stop signal (p.Glu563*) in the EVC gene. It is expected to result in an absent or disrupted protein product. Loss-of-function variants in EVC are known to be pathogenic (PMID: 23220543).

Literature cited by the submitters: PubMed 23220543.

NM_153717.3(EVC):c.1687G>T (p.Glu563Ter)

Gene: EVC (EvC ciliary complex subunit 1; plus strand). Cytogenetic location: 4p16.2.
Variant type: single nucleotide variant.
Coding change: c.1687G>T on transcript NM_153717.3 (MANE Select); coding-DNA position 1687, G replaced by T.
Protein change: p.Glu563Ter; replaces glutamic acid 563 with a stop codon.
Molecular consequence: nonsense.
Genome position (GRCh38, 1-based): chr4:5,783,675, G>T. VCF-style: chr4-5783675-G-T. GRCh37 (hg19) VCF-style: chr4-5785402-G-T.
Other names: c.1687G>T, p.Glu563Ter (NM_001306090.2); short protein forms E563*.
Identifiers: ClinVar variation 1453878 (VCV001453878.7), dbSNP rs539010490, ClinGen allele CA356161063.
Genomic context (GRCh38, chr4:5,783,675, plus strand): 5'-CTCCCTGGCATGACTGGCCTCCCCCCGGAAGAGTGTGACTACTTGAGGCAGGAAGTCCAG[G>T]AGAACGCTGCCTGGCAGCTGGGGAAGTCAAATCGCTTCCGGAGGCAGCAGTGGAAACTCT-3'